The following is an entry in ClinVar:

NM_032258.5(TBC1D3F):c.1439T>C (p.Val480Ala)

Genes: TBC1D3F (TBC1 domain family member 3F; minus strand), TBC1D3G (TBC1 domain family member 3G). Cytogenetic location: 17q12.
Variant type: single nucleotide variant.
Coding change: c.1439T>C on transcript NM_032258.5; coding-DNA position 1439, T replaced by C.
Protein change: p.Val480Ala; replaces valine 480 with alanine.
Molecular consequence: missense variant.
Genome position (GRCh38, 1-based): chr17:36,429,139, A>G on the plus strand (T>C on the coding strand, the complement: TBC1D3F is on the minus strand). VCF-style: chr17-36429139-A-G. GRCh37 (hg19) VCF-style: chr17-34797697-A-G.
Other names: short protein forms V480A.
Identifiers: ClinVar variation 2647689 (VCV002647689.24), dbSNP rs138015336, ClinGen allele CA290462108.

ClinVar aggregate classification (germline): Likely benign (1 of 4 stars; one submission).

Allele frequency attached by ClinVar (database versions not stated): gnomAD 0.00004; gnomAD exomes 0.00011; 1000 Genomes Project 0.00040; ExAC 0.00087.

Submission:

CeGaT Center for Human Genetics Tuebingen
Classification: Likely benign. Last evaluated: 2023-04-01. Review status: criteria provided, single submitter. Criteria: CeGaT Center For Human Genetics Tuebingen Variant Classification Criteria Version 2. Collection method: clinical testing. Allele origin: germline. Affected: yes. Observed: 1 variant allele.
Comment: TBC1D3F: BP4, BS2; TBC1D3G: BP4, BS2